The following is an entry in ClinVar:

ClinVar aggregate classification (germline): Uncertain significance. Review status: criteria provided, multiple submitters, no conflicts (2 of 4 stars). 2 submissions from 2 submitters: Uncertain significance (2). Last evaluated 2023-09-10.

Conditions:
Neuroblastoma, susceptibility to, 3. Also called: ALK-Related Neuroblastic Tumor Susceptibility. Identifiers: Orphanet 635, MedGen C2751681, MONDO:0013083, OMIM 613014.
Hereditary cancer-predisposing syndrome. Also called: Hereditary neoplastic syndrome; Neoplastic Syndromes, Hereditary; Tumor predisposition; Hereditary Cancer Syndrome. Identifiers: Orphanet 140162, MedGen C0027672, MeSH D009386, MONDO:0015356.

Submissions (2):

Ambry Genetics
Classification: Uncertain significance for Hereditary cancer-predisposing syndrome. Last evaluated: 2023-09-10. Review status: criteria provided, single submitter. Criteria: Ambry Variant Classification Scheme 2023. Collection method: clinical testing. Allele origin: germline.
Comment: The p.L49R variant (also known as c.146T>G), located in coding exon 1 of the ALK gene, results from a T to G substitution at nucleotide position 146. The leucine at codon 49 is replaced by arginine, an amino acid with dissimilar properties. This amino acid position is conserved. In addition, this alteration is predicted to be deleterious by in silico analysis. Since supporting evidence is limited at this time, the clinical significance of this alteration remains unclear.

Labcorp Genetics (formerly Invitae), Labcorp
Classification: Uncertain significance for Neuroblastoma, susceptibility to, 3. Last evaluated: 2020-10-21. Review status: criteria provided, single submitter. Criteria: Invitae Variant Classification Sherloc (09022015). Collection method: clinical testing. Allele origin: germline.
Comment: In summary, the available evidence is currently insufficient to determine the role of this variant in disease. Therefore, it has been classified as a Variant of Uncertain Significance. Algorithms developed to predict the effect of missense changes on protein structure and function are either unavailable or do not agree on the potential impact of this missense change (SIFT: "Deleterious"; PolyPhen-2: "Probably Damaging"; Align-GVGD: "Class C0"). This variant has not been reported in the literature in individuals with ALK-related conditions. This variant is not present in population databases (ExAC no frequency). This sequence change replaces leucine with arginine at codon 49 of the ALK protein (p.Leu49Arg). The leucine residue is moderately conserved and there is a moderate physicochemical difference between leucine and arginine.

NM_004304.5(ALK):c.146T>G (p.Leu49Arg)

Gene: ALK (ALK receptor tyrosine kinase; minus strand). Cytogenetic location: 2p23.1.
Variant type: single nucleotide variant.
Coding change: c.146T>G on transcript NM_004304.5 (MANE Select); coding-DNA position 146, T replaced by G.
Protein change: p.Leu49Arg; replaces leucine 49 with arginine.
Molecular consequence: missense variant.
Genome position (GRCh38, 1-based): chr2:29,920,514, A>C on the plus strand (T>G on the coding strand, the complement: ALK is on the minus strand). VCF-style: chr2-29920514-A-C. GRCh37 (hg19) VCF-style: chr2-30143380-A-C.
Other names: c.146T>G (NM_004304.4); short protein forms L49R.
Identifiers: ClinVar variation 1045027 (VCV001045027.10), dbSNP rs1667966165, ClinGen allele CA346590609.